The following is an entry in ClinVar:

NM_033159.4(HYAL1):c.539G>A (p.Arg180Gln)

Gene: HYAL1 (hyaluronidase 1; minus strand). Cytogenetic location: 3p21.31.
Variant type: single nucleotide variant.
Coding change: c.539G>A on transcript NM_033159.4 (MANE Select); coding-DNA position 539, G replaced by A.
Protein change: p.Arg180Gln; replaces arginine 180 with glutamine.
Molecular consequence: missense variant. On other transcripts: 5 prime UTR variant (1), non-coding transcript variant (1), intron variant (1).
Genome position (GRCh38, 1-based): chr3:50,302,418, C>T on the plus strand (G>A on the coding strand, the complement: HYAL1 is on the minus strand). VCF-style: chr3-50302418-C-T. GRCh37 (hg19) VCF-style: chr3-50339849-C-T.
Other names: c.539G>A, p.Arg180Gln (NM_153281.2, NM_153282.3); c.-8G>A (NM_153283.3); c.-26-213G>A (NM_153285.3); c.539G>A (NM_153281.1); short protein forms R180Q.
Identifiers: ClinVar variation 1449040 (VCV001449040.6), dbSNP rs782751421, ClinGen allele CA2415924.

ClinVar aggregate classification (germline): Conflicting classifications of pathogenicity. Review status: criteria provided, conflicting classifications (1 of 4 stars). 2 submissions from 2 submitters: Uncertain significance (1); Likely benign (1). Last evaluated 2025-08-08.

Conditions:
Deficiency of hyaluronoglucosaminidase (MPS9). Also called: HYALURONIDASE DEFICIENCY; Mucopolysaccharidosis type 9; MPS IX. Identifiers: Orphanet 67041, MedGen C1291490, MONDO:0011093, OMIM 601492.

Allele frequency attached by ClinVar (database versions not stated): TOPMed below 0.00001; gnomAD 0.00001; gnomAD exomes 0.00001; ExAC 0.00002.
gnomAD v4.1: 19 of 1,613,744 alleles (0.0012%); highest among the groups gnomAD compares: South Asian, 0.0055%; no homozygotes.

Submissions (2):

Ambry Genetics
Classification: Likely benign. Last evaluated: 2025-08-08. Review status: criteria provided, single submitter. Criteria: Ambry Variant Classification Scheme 2023. Collection method: clinical testing. Allele origin: germline.

Labcorp Genetics (formerly Invitae), Labcorp
Classification: Uncertain significance for Deficiency of hyaluronoglucosaminidase. Last evaluated: 2021-08-28. Review status: criteria provided, single submitter. Criteria: Invitae Variant Classification Sherloc (09022015). Collection method: clinical testing. Allele origin: germline.
Comment: This sequence change replaces arginine with glutamine at codon 180 of the HYAL1 protein (p.Arg180Gln). The arginine residue is weakly conserved and there is a small physicochemical difference between arginine and glutamine. This variant is present in population databases (rs782751421, ExAC 0.01%). This variant has not been reported in the literature in individuals affected with HYAL1-related conditions. Algorithms developed to predict the effect of missense changes on protein structure and function output the following: SIFT: "Tolerated"; PolyPhen-2: "Benign"; Align-GVGD: "Class C0". The glutamine amino acid residue is found in multiple mammalian species, which suggests that this missense change does not adversely affect protein function. In summary, the available evidence is currently insufficient to determine the role of this variant in disease. Therefore, it has been classified as a Variant of Uncertain Significance.